The following is an entry in ClinVar:

ClinVar aggregate classification (germline): Uncertain significance. Review status: criteria provided, multiple submitters, no conflicts (2 of 4 stars). 3 submissions from 3 submitters: Uncertain significance (3). Last evaluated 2023-06-01.

Conditions:
Hermansky-Pudlak syndrome 6 (HPS6). Identifiers: Orphanet 231512, Orphanet 79430, MedGen C3888007, MONDO:0013558, OMIM 614075.

Allele frequency attached by ClinVar (database versions not stated): ExAC 0.00015; ESP Exome Variant Server 0.00015; gnomAD exomes 0.00018; TOPMed 0.00020; gnomAD 0.00023.
gnomAD v4.1: 463 of 1,613,350 alleles (0.029%); highest among the groups gnomAD compares: Non-Finnish European, 0.034%; no homozygotes.

Submissions (3):

GeneDx
Classification: Uncertain significance. Last evaluated: 2023-06-01. Review status: criteria provided, single submitter. Criteria: GeneDx Variant Classification Process June 2021. Collection method: clinical testing. Allele origin: germline. Affected: yes.
Comment: In silico analysis supports that this missense variant does not alter protein structure/function; Has not been previously published as pathogenic or benign to our knowledge

Labcorp Genetics (formerly Invitae), Labcorp
Classification: Uncertain significance. Last evaluated: 2022-07-13. Review status: criteria provided, single submitter. Criteria: Invitae Variant Classification Sherloc (09022015). Collection method: clinical testing. Allele origin: germline.
Comment: This sequence change replaces leucine, which is neutral and non-polar, with valine, which is neutral and non-polar, at codon 754 of the HPS6 protein (p.Leu754Val). This variant is present in population databases (rs202188533, gnomAD 0.03%). This variant has not been reported in the literature in individuals affected with HPS6-related conditions. ClinVar contains an entry for this variant (Variation ID: 1524471). Algorithms developed to predict the effect of missense changes on protein structure and function (SIFT, PolyPhen-2, Align-GVGD) all suggest that this variant is likely to be tolerated. In summary, the available evidence is currently insufficient to determine the role of this variant in disease. Therefore, it has been classified as a Variant of Uncertain Significance.

Fulgent Genetics
Classification: Uncertain significance for Hermansky-Pudlak syndrome 6. Last evaluated: 2022-03-02. Review status: criteria provided, single submitter. Criteria: ACMG Guidelines, 2015. Collection method: clinical testing. Allele origin: unknown.

NM_024747.6(HPS6):c.2260C>G (p.Leu754Val)

Gene: HPS6 (HPS6 biogenesis of lysosomal organelles complex 2 subunit 3; plus strand). Cytogenetic location: 10q24.32.
Variant type: single nucleotide variant.
Coding change: c.2260C>G on transcript NM_024747.6 (MANE Select); coding-DNA position 2260, C replaced by G.
Protein change: p.Leu754Val; replaces leucine 754 with valine.
Molecular consequence: missense variant.
Genome position (GRCh38, 1-based): chr10:102,067,734, C>G. VCF-style: chr10-102067734-C-G. GRCh37 (hg19) VCF-style: chr10-103827491-C-G.
Other names: c.2260C>G (NM_024747.5); short protein forms L754V.
Identifiers: ClinVar variation 1524471 (VCV001524471.7), dbSNP rs202188533, ClinGen allele CA5660146.